The following is an entry in ClinVar:

ClinVar aggregate classification (germline): Conflicting classifications of pathogenicity. Review status: criteria provided, conflicting classifications (1 of 4 stars). 21 submissions from 17 submitters: Uncertain significance (4); Benign (6); Likely benign (10). 1 of the submissions does not count toward it. Last evaluated 2026-07-01.

Conditions:
TTN-related disorder. Also called: TTN-related disorders; TTN-related condition; TTN-related disease.
Cardiovascular phenotype. Identifiers: MedGen CN230736.
Autosomal recessive limb-girdle muscular dystrophy type 2J (LGMDR10). Also called: MUSCULAR DYSTROPHY, LIMB-GIRDLE, AUTOSOMAL RECESSIVE 10; Limb-girdle muscular dystrophy, type 2J. Identifiers: Orphanet 140922, MedGen C1837342, MONDO:0012127, OMIM 608807.
Dilated cardiomyopathy 1G (CMD1G). Identifiers: Orphanet 154, MedGen C1858763, MONDO:0011400, OMIM 604145.
Cardiomyopathy (CMYO). Also called: Cardiomyopathies. Identifiers: Orphanet 167848, MedGen C0878544, MONDO:0004994, HP:0001638. Inheritance: Various modes of inheritance.
Myopathy, myofibrillar, 9, with early respiratory failure (MFM9). Also called: Myopathy, distal, with early respiratory failure, autosomal dominant; Hereditary myopathy with early respiratory failure; EDSTROM MYOPATHY; MYOPATHY, PROXIMAL, WITH EARLY RESPIRATORY MUSCLE INVOLVEMENT. Identifiers: Orphanet 178464, Orphanet 34521, MedGen C1863599, MONDO:0011362, OMIM 603689.
Early-onset myopathy with fatal cardiomyopathy (CMYO5). Also called: CONGENITAL MYOPATHY 5 WITH CARDIOMYOPATHY; Salih Myopathy. Identifiers: Orphanet 289377, MedGen C2673677, MONDO:0012714, OMIM 611705. Disease mechanism: loss of function.
Tibial muscular dystrophy (TMD). Also called: Tibial muscular dystrophy, tardive; Udd Distal Myopathy – Tibial Muscular Dystrophy; UDD MYOPATHY. Identifiers: Orphanet 609, MedGen C1838244, MONDO:0010870, OMIM 600334.
Premature ventricular contraction. Also called: Ventricular extrasystoles. Identifiers: MedGen C0151636, HP:0006682.

Allele frequency attached by ClinVar (database versions not stated): gnomAD exomes 0.00222 and 0.00299; gnomAD 0.00204 and 0.00200; 1000 Genomes Project 0.00060; 1000 Genomes Project 30x 0.00062; TOPMed 0.00207; ExAC 0.00215; ESP Exome Variant Server 0.00272.
gnomAD v4.1: 4,665 of 1,613,544 alleles (0.29%); highest among the groups gnomAD compares: Non-Finnish European, 0.35%; 18 homozygotes.

Submissions (21):

CeGaT Center for Human Genetics Tuebingen
Classification: Likely benign. Last evaluated: 2026-07-01. Review status: criteria provided, single submitter. Criteria: CeGaT Center For Human Genetics Tuebingen Variant Classification Criteria Version 2. Collection method: clinical testing. Allele origin: germline. Affected: yes. Observed: 49 variant alleles.
Comment: TTN: BS2

Labcorp Genetics (formerly Invitae), Labcorp
Classification: Likely benign for Dilated cardiomyopathy 1G; Autosomal recessive limb-girdle muscular dystrophy type 2J. Last evaluated: 2026-02-03. Review status: criteria provided, single submitter. Criteria: Invitae Variant Classification Sherloc (09022015). Collection method: clinical testing. Allele origin: germline.

ARUP Laboratories, Molecular Genetics and Genomics, ARUP Laboratories
Classification: Likely benign. Last evaluated: 2025-05-01. Review status: criteria provided, single submitter. Criteria: ARUP Molecular Germline Variant Investigation Process 2024. Collection method: clinical testing. Allele origin: germline.

Molecular Diagnostic Laboratory for Inherited Cardiovascular Disease, Montreal Heart Institute
Classification: Likely benign. Last evaluated: 2025-04-09. Review status: criteria provided, single submitter. Criteria: ACMG Guidelines, 2015. Collection method: clinical testing. Allele origin: germline. Affected: no.

Mayo Clinic Laboratories, Mayo Clinic
Classification: Benign. Last evaluated: 2024-12-30. Review status: criteria provided, single submitter. Criteria: ACMG Guidelines, 2015. Collection method: clinical testing. Allele origin: germline. Observed: 17 variant alleles.
Comment: BS1, BS2, BP4

Blueprint Genetics
Classification: Likely benign. Last evaluated: 2024-11-26. Review status: criteria provided, single submitter. Criteria: ACMG Guidelines, 2015. Collection method: clinical testing. Allele origin: germline.

Women's Health and Genetics/Laboratory Corporation of America, LabCorp
Classification: Benign. Last evaluated: 2020-10-19. Review status: criteria provided, single submitter. Criteria: LabCorp Variant Classification Summary - May 2015. Collection method: clinical testing. Allele origin: germline.
Comment: Variant summary: TTN c.64001T>C (p.Ile21334Thr) results in a non-conservative amino acid change located in the A-band of the encoded protein sequence. Four of five in-silico tools predict a benign effect of the variant on protein function. The variant allele was found at a frequency of 0.0022 in 248404 control chromosomes, predominantly at a frequency of 0.0036 within the Non-Finnish European subpopulation in the gnomAD database, including 2 homozygotes. The observed variant frequency within Non-Finnish European control individuals in the gnomAD database is approximately 9 fold of the estimated maximal expected allele frequency for a pathogenic variant in TTN causing Dilated Cardiomyopathy phenotype (0.00039), strongly suggesting that the variant is a benign polymorphism found primarily in populations of Non-Finnish European origin. To our knowledge, no occurrence of c.64001T>C in individuals affected with Dilated Cardiomyopathy and no experimental evidence demonstrating its impact on protein function have been reported. Co-occurrence with a pathogenic variant has been reported (MYH7 c.1063G>A, p.A355T), providing supporting evidence for a benign role. Twelve clinical diagnostic laboratories have submitted clinical-significance assessments for this variant to ClinVar after 2014 without evidence for independent evaluation. Multiple laboratories reported the variant with conflicting assessments (benign/likely benign n=9, VUS n=3). Based on the evidence outlined above, the variant was classified as benign.

CHEO Genetics Diagnostic Laboratory, Children's Hospital of Eastern Ontario
Classification: Benign for Cardiomyopathy. Last evaluated: 2020-06-29. Review status: criteria provided, single submitter. Criteria: ACMG Guidelines, 2015. Collection method: clinical testing. Allele origin: germline. Study: Canadian Open Genetics Repository.

Center for Advanced Laboratory Medicine, UC San Diego Health, University of California San Diego
Classification: Likely benign for Premature ventricular contraction. Last evaluated: 2019-03-25. Review status: criteria provided, single submitter. Criteria: ACMG Guidelines, 2015. Collection method: clinical testing. Allele origin: germline. Affected: yes. Observed: 2 variant alleles.

Ambry Genetics
Classification: Likely benign for Cardiovascular phenotype. Last evaluated: 2018-06-19. Review status: criteria provided, single submitter. Criteria: Ambry Autosomal Dominant and X-Linked criteria (3/2017). Collection method: clinical testing. Allele origin: germline. Observed: 1 variant allele.
Comment: In silico models in agreement (benign);Subpopulation frequency in support of benign classification

Illumina Laboratory Services, Illumina
Classification: Uncertain significance for Dilated cardiomyopathy 1G. Last evaluated: 2018-01-12. Review status: criteria provided, single submitter. Criteria: ICSL Variant Classification Criteria 13 December 2019. Collection method: clinical testing. Allele origin: germline.

Illumina Laboratory Services, Illumina
Classification: Benign for Myopathy, myofibrillar, 9, with early respiratory failure. Last evaluated: 2018-01-12. Review status: criteria provided, single submitter. Criteria: ICSL Variant Classification Criteria 13 December 2019. Collection method: clinical testing. Allele origin: germline.
Comment: This variant was observed in the ICSL laboratory as part of a predisposition screen in an ostensibly healthy population. It had not been previously curated by ICSL or reported in the Human Gene Mutation Database (HGMD: prior to June 1st, 2018), and was therefore a candidate for classification through an automated scoring system. Utilizing variant allele frequency, disease prevalence and penetrance estimates, and inheritance mode, an automated score was calculated to assess if this variant is too frequent to cause the disease. Based on the score and internal cut-off values, a variant classified as benign is not then subjected to further curation. The score for this variant resulted in a classification of benign for this disease.

Illumina Laboratory Services, Illumina
Classification: Benign for Tibial muscular dystrophy. Last evaluated: 2018-01-12. Review status: criteria provided, single submitter. Criteria: ICSL Variant Classification Criteria 13 December 2019. Collection method: clinical testing. Allele origin: germline.
Comment: the same text as in the submission from Illumina Laboratory Services, Illumina above.

Illumina Laboratory Services, Illumina
Classification: Uncertain significance for Early-onset myopathy with fatal cardiomyopathy. Last evaluated: 2018-01-12. Review status: criteria provided, single submitter. Criteria: ICSL Variant Classification Criteria 13 December 2019. Collection method: clinical testing. Allele origin: germline.

Illumina Laboratory Services, Illumina
Classification: Uncertain significance for Autosomal recessive limb-girdle muscular dystrophy type 2J. Last evaluated: 2018-01-12. Review status: criteria provided, single submitter. Criteria: ICSL Variant Classification Criteria 13 December 2019. Collection method: clinical testing. Allele origin: germline.

GeneDx
Classification: Benign. Last evaluated: 2017-12-29. Review status: criteria provided, single submitter. Criteria: GeneDx Variant Classification (06012015). Collection method: clinical testing. Allele origin: germline. Affected: yes.
Comment: This variant is considered likely benign or benign based on one or more of the following criteria: it is a conservative change, it occurs at a poorly conserved position in the protein, it is predicted to be benign by multiple in silico algorithms, and/or has population frequency not consistent with disease.

Genetic Services Laboratory, University of Chicago
Classification: Uncertain significance. Last evaluated: 2016-08-26. Review status: criteria provided, single submitter. Criteria: ACMG Guidelines, 2015. Collection method: clinical testing. Allele origin: germline. Affected: no.

Eurofins Ntd Llc (ga)
Classification: Likely benign. Last evaluated: 2015-08-25. Review status: criteria provided, single submitter. Criteria: EGL Classification Definitions 2015. Collection method: clinical testing. Allele origin: germline. Observed: 1 variant allele, 1 heterozygote.

Laboratory for Molecular Medicine, Mass General Brigham Personalized Medicine
Classification: Likely benign. Last evaluated: 2015-05-26. Review status: criteria provided, single submitter. Criteria: LMM Criteria. Collection method: clinical testing. Allele origin: germline. Observed: 13 variant alleles.
Comment: p.Ile21334Thr in exon 275 of TTN: This variant is not expected to have clinical significance because it has been identified in 0.3% (223/66674) of European chro mosomes by the Exome Aggregation Consortium (ExAC, g/; dbSNP rs55837610).

Biesecker Lab/Clinical Genomics Section, National Institutes of Health
Classification: Likely benign. Last evaluated: 2013-06-24. Review status: criteria provided, single submitter. Criteria: Ng et al. (Circ Cardiovasc Genet. 2013). Collection method: research. Allele origin: unknown. Observed: 4 variant alleles. Study: ClinSeq.
Comment: The study set was not selected for affection status in relation to any cancer. Pathogenicity categories were based on literature curation. See Pubmed ID:23861362 for details.

Medical sequencing

PreventionGenetics, part of Exact Sciences
Classification: Likely benign for TTN-related condition. Last evaluated: 2019-05-30. Review status: no assertion criteria provided. Collection method: clinical testing. Allele origin: germline. Not counted in ClinVar's aggregate classification.
Comment: This variant is classified as likely benign based on ACMG/AMP sequence variant interpretation guidelines (Richards et al. 2015 PMID: 25741868, with internal and published modifications).

Literature cited by the submitters: PubMed 27930701 (cited by Mayo Clinic Laboratories, Mayo Clinic); PubMed 30681346 (cited by Mayo Clinic Laboratories, Mayo Clinic); PubMed 32746448 (cited by Mayo Clinic Laboratories, Mayo Clinic); PubMed 36011809 (cited by Mayo Clinic Laboratories, Mayo Clinic).

NM_001267550.2(TTN):c.71705T>C (p.Ile23902Thr)

Genes: TTN-AS1 (TTN antisense RNA 1; plus strand), TTN (titin; minus strand). Cytogenetic location: 2q31.2.
Variant type: single nucleotide variant.
Coding change: c.71705T>C on transcript NM_001267550.2 (MANE Select); coding-DNA position 71705, T replaced by C.
Protein change: p.Ile23902Thr; replaces isoleucine 23902 with threonine.
Molecular consequence: missense variant.
Genome position (GRCh38, 1-based): chr2:178,574,427, A>G on the plus strand (T>C on the coding strand, the complement: TTN is on the minus strand). VCF-style: chr2-178574427-A-G. GRCh37 (hg19) VCF-style: chr2-179439154-A-G.
Other names: p.I22261T:ATT>ACT; p.Ile22261Thr; c.66782T>C, p.Ile22261Thr (NM_001256850.1); c.64001T>C, p.Ile21334Thr (NM_133378.4); c.44510T>C, p.Ile14837Thr (NM_003319.4); c.44885T>C, p.Ile14962Thr (NM_133432.3); c.45086T>C, p.Ile15029Thr (NM_133437.4); short protein forms I23902T, I21334T, I22261T, I14837T, I14962T, I15029T.
Identifiers: ClinVar variation 47302 (VCV000047302.84), dbSNP rs55837610, ClinGen allele CA140617.